The following is an entry in ClinVar:

ClinVar aggregate classification (germline): Pathogenic. Review status: criteria provided, multiple submitters, no conflicts (2 of 4 stars). 2 submissions from 2 submitters: Pathogenic (2). Last evaluated 2023-01-12.

Conditions:
Polycystic kidney disease, adult type (PKD1). Also called: POLYCYSTIC KIDNEY DISEASE, ADULT, TYPE I; Polycystic Kidney Disease 1, Autosomal Dominant; Polycystic kidney disease 1; Polycystic kidney disease 1, severe; POLYCYSTIC KIDNEY DISEASE 1 WITH OR WITHOUT POLYCYSTIC LIVER DISEASE; Polycystic Kidney, Autosomal Dominant. Identifiers: MedGen C3149841, MONDO:0008263, OMIM 173900.
PKD1-related disorder. Also called: PKD1-related condition.

Submissions (2):

Blueprint Genetics
Classification: Pathogenic for PKD1-related disorders. Last evaluated: 2023-01-12. Review status: criteria provided, single submitter. Criteria: ACMG Guidelines, 2015. Collection method: clinical testing. Allele origin: germline. Affected: yes. Observed: 1 variant allele.

Cavalleri Lab, Royal College of Surgeons in Ireland
Classification: Pathogenic for Polycystic kidney disease, adult type. Last evaluated: 2020-02-05. Review status: criteria provided, single submitter. Criteria: ACMG Guidelines, 2015. Collection method: research. Allele origin: unknown. Inheritance: Autosomal dominant inheritance. Affected: yes.
Comment: PVS1, PM2, PP4

NM_001009944.3(PKD1):c.8234_8235insCGTCACCATC (p.Arg2746fs)

Gene: PKD1 (polycystin 1, transient receptor potential channel interacting; minus strand). Cytogenetic location: 16p13.3.
Variant type: Insertion.
Coding change: c.8234_8235insCGTCACCATC on transcript NM_001009944.3 (MANE Select); coding-DNA positions 8234 to 8235, CGTCACCATC inserted.
Protein change: p.Arg2746fs; shifts the reading frame from arginine 2746.
Molecular consequence: frameshift variant.
Genome position: GRCh38 VCF-style: chr16-2103822-A-AGATGGTGACG. GRCh37 (hg19) VCF-style: chr16-2153823-A-AGATGGTGACG.
Other names: c.8234_8235insCGTCACCATC, p.Arg2746fs (NM_000296.4); short protein forms R2746fs.
Identifiers: ClinVar variation 873356 (VCV000873356.2), dbSNP rs2092206577, ClinGen allele CA1139664378.